The following is an entry in ClinVar:

ClinVar aggregate classification (germline): Benign. Review status: criteria provided, multiple submitters, no conflicts (2 of 4 stars). 4 submissions from 4 submitters: Benign (4). Last evaluated 2026-02-01.

Conditions:
Congenital microvillous atrophy (DIAR2). Also called: Microvillus inclusion disease; Diarrhea 2 with microvillus atrophy, with or without cholestasis; CONGENITAL FAMILIAL PROTRACTED DIARRHEA WITH ENTEROCYTE BRUSH-BORDER ABNORMALITIES; DAVIDSON DISEASE; MICROVILLUS ATROPHY, CONGENITAL. Identifiers: Orphanet 2290, MedGen C0341306, MONDO:0009635, OMIM 251850.
Cholestasis, progressive familial intrahepatic, 10 (PFIC10). Identifiers: MedGen C5676981, MONDO:0030810, OMIM 619868.

Allele frequency attached by ClinVar (database versions not stated): gnomAD exomes 0.00070 and 0.00179; ExAC 0.00226; ESP Exome Variant Server 0.00698; gnomAD 0.00747 and 0.00802; TOPMed 0.00830; 1000 Genomes Project 30x 0.00906; 1000 Genomes Project 0.00919.
gnomAD v4.1: 2,199 of 1,614,146 alleles (0.14%); highest among the groups gnomAD compares: African/African-American, 2.6%; 24 homozygotes.

Submissions (4):

Labcorp Genetics (formerly Invitae), Labcorp
Classification: Benign. Last evaluated: 2026-02-01. Review status: criteria provided, single submitter. Criteria: Invitae Variant Classification Sherloc (09022015). Collection method: clinical testing. Allele origin: germline.

Fulgent Genetics
Classification: Benign for Congenital microvillous atrophy; Cholestasis, progressive familial intrahepatic, 10. Last evaluated: 2021-08-23. Review status: criteria provided, single submitter. Criteria: ACMG Guidelines, 2015. Collection method: clinical testing. Allele origin: unknown.

Illumina Laboratory Services, Illumina
Classification: Benign for Congenital microvillous atrophy. Last evaluated: 2018-01-12. Review status: criteria provided, single submitter. Criteria: ICSL Variant Classification Criteria 13 December 2019. Collection method: clinical testing. Allele origin: germline.
Comment: This variant was observed in the ICSL laboratory as part of a predisposition screen in an ostensibly healthy population. It had not been previously curated by ICSL or reported in the Human Gene Mutation Database (HGMD: prior to June 1st, 2018), and was therefore a candidate for classification through an automated scoring system. Utilizing variant allele frequency, disease prevalence and penetrance estimates, and inheritance mode, an automated score was calculated to assess if this variant is too frequent to cause the disease. Based on the score and internal cut-off values, a variant classified as benign is not then subjected to further curation. The score for this variant resulted in a classification of benign for this disease.

Breakthrough Genomics
Classification: Benign. Review status: criteria provided, single submitter. Criteria: ACMG Guidelines, 2015. Collection method: not provided. Allele origin: germline. Inheritance: Autosomal recessive inheritance. Affected: yes.

NM_001080467.3(MYO5B):c.1793C>T (p.Pro598Leu)

Gene: MYO5B (myosin VB; minus strand). Cytogenetic location: 18q21.1.
Variant type: single nucleotide variant.
Coding change: c.1793C>T on transcript NM_001080467.3 (MANE Select); coding-DNA position 1793, C replaced by T.
Protein change: p.Pro598Leu; replaces proline 598 with leucine.
Molecular consequence: missense variant.
Genome position (GRCh38, 1-based): chr18:49,937,357, G>A on the plus strand (C>T on the coding strand, the complement: MYO5B is on the minus strand). VCF-style: chr18-49937357-G-A. GRCh37 (hg19) VCF-style: chr18-47463727-G-A.
Other names: short protein forms P598L.
Identifiers: ClinVar variation 786341 (VCV000786341.16), dbSNP rs75107667, ClinGen allele CA8961370.